The following is an entry in ClinVar:

ClinVar aggregate classification (germline): Uncertain significance (1 of 4 stars; one submission).

Conditions:
Early-infantile DEE. Also called: Early infantile epileptic encephalopathy; Ohtahara syndrome; Early infantile epileptic encephalopathy with suppression bursts. Identifiers: Orphanet 1934, MedGen C0393706, MONDO:0800491.

Submission:

Labcorp Genetics (formerly Invitae), Labcorp
Classification: Uncertain significance for Early-infantile DEE. Last evaluated: 2024-05-23. Review status: criteria provided, single submitter. Criteria: Invitae Variant Classification Sherloc (09022015). Collection method: clinical testing. Allele origin: germline.
Comment: This sequence change replaces alanine, which is neutral and non-polar, with serine, which is neutral and polar, at codon 27 of the HCN1 protein (p.Ala27Ser). This variant is not present in population databases (gnomAD no frequency). This variant has not been reported in the literature in individuals affected with HCN1-related conditions. Advanced modeling of protein sequence and biophysical properties (such as structural, functional, and spatial information, amino acid conservation, physicochemical variation, residue mobility, and thermodynamic stability) performed at Invitae indicates that this missense variant is not expected to disrupt HCN1 protein function with a negative predictive value of 95%. In summary, the available evidence is currently insufficient to determine the role of this variant in disease. Therefore, it has been classified as a Variant of Uncertain Significance.

NM_021072.4(HCN1):c.79G>T (p.Ala27Ser)

Gene: HCN1 (hyperpolarization activated cyclic nucleotide gated potassium channel 1; minus strand). Cytogenetic location: 5p12.
Variant type: single nucleotide variant.
Coding change: c.79G>T on transcript NM_021072.4 (MANE Select); coding-DNA position 79, G replaced by T.
Protein change: p.Ala27Ser; replaces alanine 27 with serine.
Molecular consequence: missense variant.
Genome position (GRCh38, 1-based): chr5:45,696,015, C>A on the plus strand (G>T on the coding strand, the complement: HCN1 is on the minus strand). VCF-style: chr5-45696015-C-A. GRCh37 (hg19) VCF-style: chr5-45696117-C-A.
Other names: short protein forms A27S.
Identifiers: ClinVar variation 3635386 (VCV003635386.2).